The following is an entry in ClinVar:

ClinVar aggregate classification (germline): Likely pathogenic. Review status: criteria provided, multiple submitters, no conflicts (2 of 4 stars). 6 submissions from 6 submitters: Likely pathogenic (4). 2 of the submissions do not count toward it. Last evaluated 2025-02-26.

Conditions:
Hereditary cancer-predisposing syndrome. Also called: Neoplastic Syndromes, Hereditary; Hereditary neoplastic syndrome; Tumor predisposition; Hereditary Cancer Syndrome. Identifiers: Orphanet 140162, MedGen C0027672, MeSH D009386, MONDO:0015356.
Hereditary breast ovarian cancer syndrome. Also called: Hereditary breast and ovarian cancer syndrome (HBOC); BRCA1- and BRCA2-Associated Hereditary Breast and Ovarian Cancer; Hereditary breast and/or ovarian cancer syndrome; Hereditary breast and ovarian cancer syndrome; Hereditary breast and ovarian cancer; Breast and ovarian cancer. Identifiers: Orphanet 145, MedGen C0677776, MeSH D061325, MONDO:0003582. Disease mechanism: loss of function.
Breast-ovarian cancer, familial, susceptibility to, 1 (BROVCA1). Also called: BRCA1 Hereditary Breast and Ovarian Cancer; OVARIAN CANCER, SUSCEPTIBILITY TO. Identifiers: Orphanet 145, MedGen C2676676, MONDO:0011450, OMIM 604370. Disease mechanism: loss of function.

Submissions (6):

Ambry Genetics
Classification: Likely pathogenic for Hereditary cancer-predisposing syndrome. Last evaluated: 2025-02-26. Review status: criteria provided, single submitter. Criteria: Ambry Variant Classification Scheme 2023. Collection method: clinical testing. Allele origin: germline.
Comment: The c.4676-1G>C intronic variant results from a G to C substitution one nucleotide upstream from coding exon 14 of the BRCA1 gene. In a study of 196 women with breast cancer and 185 unaffected controls from Cameroon and Uganda, this variant was observed in one breast cancer case and one control (Adedokun B et al. Cancer Epidemiol Biomarkers Prev, 2020 Feb;29:359-367). This nucleotide position is highly conserved in available vertebrate species. In silico splice site analysis predicts that this alteration will weaken the native splice acceptor site and will result in the creation or strengthening of a novel splice acceptor site. This variant is considered to be rare based on population cohorts in the Genome Aggregation Database (gnomAD). Alterations that disrupt the canonical splice site are expected to cause aberrant splicing, resulting in an abnormal protein or a transcript that is subject to nonsense-mediated mRNA decay. As such, this alteration is classified as likely pathogenic.

Color Diagnostics, LLC DBA Color Health
Classification: Likely pathogenic for Hereditary cancer-predisposing syndrome. Last evaluated: 2024-03-19. Review status: criteria provided, single submitter. Criteria: ACMG Guidelines, 2015. Collection method: clinical testing. Allele origin: germline.
Comment: This variant causes a G to C nucleotide substitution at the -1 position of intron 14 of the BRCA1 gene. Splice site prediction tools suggest that this variant may have a significant impact on RNA splicing. Although this prediction has not been confirmed in published RNA studies, this variant is expected to result in an absent or disrupted protein product. To our knowledge, this variant has not been reported in individuals affected with hereditary cancer in the literature. However, a different mutation at the same position with similar predicted splicing impact, c.4676-1G>A, has been reported in three individuals affected with breast cancer (PMID: 11448907, 25452441) and has been reported by a multifactorial analysis with segregation, co-occurrence and family history likelihood ratios for pathogenicity of 3.7504, 2.0153 and 32.3133, respectively (PMID: 31131967), This variant has not been identified in the general population by the Genome Aggregation Database (gnomAD). Loss of BRCA1 function is a known mechanism of disease. Based on the available evidence, this variant is classified as Likely Pathogenic.

Baylor Genetics
Classification: Likely pathogenic for Breast-ovarian cancer, familial, susceptibility to, 1. Last evaluated: 2021-10-14. Review status: criteria provided, single submitter. Criteria: ACMG Guidelines, 2015. Collection method: clinical testing. Allele origin: unknown.

Labcorp Genetics (formerly Invitae), Labcorp
Classification: Likely pathogenic for Hereditary breast ovarian cancer syndrome. Last evaluated: 2017-02-26. Review status: criteria provided, single submitter. Criteria: Invitae Variant Classification Sherloc (09022015). Collection method: clinical testing. Allele origin: germline.
Comment: In summary, donor and acceptor splice site variants are typically loss-of-function (PMID: 16199547), and loss-of-function variants in BRCA1 are known to be pathogenic (PMID: 20104584). However, without additional functional and/or genetic data, this variant has been classified as Likely Pathogenic. This variant has been reported in an individual in the Leiden Open-source Variation Database (PMID: 21520333). This sequence change affects an acceptor splice site in intron 14 of the BRCA1 gene. It is expected to disrupt RNA splicing and likely results in an absent or disrupted protein product.

Clinical Genetics Laboratory, Department of Pathology, Netherlands Cancer Institute
Classification: Pathogenic. Review status: no assertion criteria provided. Collection method: clinical testing. Allele origin: germline. Affected: yes. Study: VKGL Data-share Consensus. Not counted in ClinVar's aggregate classification.

Joint Genome Diagnostic Labs from Nijmegen and Maastricht, Radboudumc and MUMC+
Classification: Pathogenic. Review status: no assertion criteria provided. Collection method: clinical testing. Allele origin: germline. Affected: yes. Study: VKGL Data-share Consensus. Not counted in ClinVar's aggregate classification.

Literature cited by the submitters: PubMed 31871109 (cited by Ambry Genetics); PubMed 11448907 (cited by Color Diagnostics, LLC DBA Color Health); PubMed 25452441 (cited by Color Diagnostics, LLC DBA Color Health); PubMed 31131967 (cited by Color Diagnostics, LLC DBA Color Health); PubMed 16199547 (cited by Labcorp Genetics (formerly Invitae), Labcorp); PubMed 20104584 (cited by Labcorp Genetics (formerly Invitae), Labcorp); PubMed 21520333 (cited by Labcorp Genetics (formerly Invitae), Labcorp).

NM_007294.4(BRCA1):c.4676-1G>C

Gene: BRCA1 (BRCA1 DNA repair associated; minus strand). Cytogenetic location: 17q21.31.
Variant type: single nucleotide variant.
Coding change: c.4676-1G>C on transcript NM_007294.4 (MANE Select); the canonical splice acceptor site of the intron before coding-DNA position 4676, G replaced by C.
Molecular consequence: splice acceptor variant. On other transcripts: intron variant (1).
Genome position (GRCh38, 1-based): chr17:43,071,239, C>G on the plus strand (G>C on the coding strand, the complement: BRCA1 is on the minus strand). VCF-style: chr17-43071239-C-G. GRCh37 (hg19) VCF-style: chr17-41223256-C-G.
Other names: c.4550-1G>C (NM_001407674.1, NM_001407939.1, NM_001407677.1 and 11 more transcripts); c.4553-1G>C (NM_001407919.1, NM_001407937.1, NM_001407669.1 and 6 more transcripts); c.1364-1G>C (NM_001407979.1, NM_001407982.1, NM_001407980.1 and 12 more transcripts); c.1367-1G>C (NM_001407977.1, NM_001407976.1, NM_001407974.1 and 3 more transcripts); c.4670-1G>C (NM_001407642.1, NM_001407634.1, NM_001407632.1 and 14 more transcripts); c.4673-1G>C (NM_001407625.1, NM_001407619.1, NM_001407610.1 and 17 more transcripts); c.4676-1G>C (NM_001407684.1, NM_001407594.1, NM_001407603.1 and 8 more transcripts); c.4739-1G>C (NM_001407583.1, NM_001407587.1, NM_001407585.1 and 1 more transcripts); and 71 more.
Identifiers: ClinVar variation 441389 (VCV000441389.23), dbSNP rs80358008, ClinGen allele CA10592156.